The following is an entry in ClinVar:

NM_001267550.2(TTN):c.64216A>T (p.Arg21406Ter)

Genes: TTN (titin; minus strand), TTN-AS1 (TTN antisense RNA 1; plus strand). Cytogenetic location: 2q31.2.
Variant type: single nucleotide variant.
Coding change: c.64216A>T on transcript NM_001267550.2 (MANE Select); coding-DNA position 64216, A replaced by T.
Protein change: p.Arg21406Ter; replaces arginine 21406 with a stop codon.
Molecular consequence: nonsense.
Genome position (GRCh38, 1-based): chr2:178,586,685, T>A on the plus strand (A>T on the coding strand, the complement: TTN is on the minus strand). VCF-style: chr2-178586685-T-A. GRCh37 (hg19) VCF-style: chr2-179451412-T-A.
Other names: c.59293A>T, p.Arg19765Ter (NM_001256850.1); c.37021A>T, p.Arg12341Ter (NM_003319.4); c.56512A>T, p.Arg18838Ter (NM_133378.4); c.37396A>T, p.Arg12466Ter (NM_133432.3); c.37597A>T, p.Arg12533Ter (NM_133437.4); short protein forms R12533*, R12466*, R19765*, R12341*, R18838*, R21406*.
Identifiers: ClinVar variation 861663 (VCV000861663.10), dbSNP rs2049052530, ClinGen allele CA349442654.

ClinVar aggregate classification (germline): Likely pathogenic (1 of 4 stars; one submission).

Conditions:
Dilated cardiomyopathy 1G (CMD1G). Identifiers: Orphanet 154, MedGen C1858763, MONDO:0011400, OMIM 604145.
Autosomal recessive limb-girdle muscular dystrophy type 2J (LGMDR10). Also called: Limb-girdle muscular dystrophy, type 2J; MUSCULAR DYSTROPHY, LIMB-GIRDLE, AUTOSOMAL RECESSIVE 10. Identifiers: Orphanet 140922, MedGen C1837342, MONDO:0012127, OMIM 608807.

Submission:

Labcorp Genetics (formerly Invitae), Labcorp
Classification: Likely pathogenic for Dilated cardiomyopathy 1G; Autosomal recessive limb-girdle muscular dystrophy type 2J. Last evaluated: 2019-10-16. Review status: criteria provided, single submitter. Criteria: Invitae Variant Classification Sherloc (09022015). Collection method: clinical testing. Allele origin: germline.
Comment: This sequence change results in a premature translational stop signal in the TTN gene (p.Arg21406*). While this is not anticipated to result in nonsense mediated decay, it is expected to create a truncated TTN protein. This variant is not present in population databases (ExAC no frequency). This variant has not been reported in the literature in individuals with TTN-related conditions. This variant is located in the A band of TTN (PMID: 25589632). Truncating variants in this region are significantly overrepresented in patients affected with dilated cardiomyopathy (PMID: 25589632). Truncating variants in this region have also been reported in individuals affected with autosomal recessive centronuclear myopathy (PMID: 23975875). In summary, the currently available evidence indicates that the variant is pathogenic, but additional data are needed to prove that conclusively. Therefore, this variant has been classified as Likely Pathogenic.

Literature cited by the submitters: PubMed 25589632; PubMed 23975875.